The following is an entry in ClinVar:

ClinVar aggregate classification (germline): Pathogenic/Likely pathogenic. Review status: criteria provided, multiple submitters, no conflicts (2 of 4 stars). 10 submissions from 10 submitters: Pathogenic (6); Likely pathogenic (4). Last evaluated 2026-07-06.

Conditions:
Neurofibromatosis, type 1 (NF1). Also called: VON RECKLINGHAUSEN DISEASE; NEUROFIBROMATOSIS, TYPE I, SOMATIC; Peripheral type neurofibromatosis; Neurofibromatosis, type I. Identifiers: Orphanet 636, MedGen C0027831, MONDO:0018975, OMIM 162200. Disease mechanism: loss of function.

Submissions (10):

KCCC/NGS Laboratory, Kuwait Cancer Control Center
Classification: Pathogenic for Neurofibromatosis, type 1. Last evaluated: 2026-07-06. Review status: criteria provided, single submitter. Criteria: ACMG Guidelines, 2015. Collection method: clinical testing. Allele origin: germline. Inheritance: Autosomal dominant inheritance. Affected: yes.
Comment: A known pathogenic mutation was detected in NF1 gene ( c.667T>C, NM_001042492.2). This sequence change replaces tryptophan, which is neutral and slightly polar, with arginine, which is basic and polar, at codon 223 of the NF1 protein (p.Trp223Arg). This variant is not present in population databases (gnomAD no frequency). This missense change has been observed in individual(s) with neurofibromatosis type 1 (PMID: 16944272, 25541118, 29566708). ClinVar contains an entry for this variant (Variation ID: 547570). In silico analysis supports that this missense variant has a deleterious effect on protein structure/function. For these reasons, this variant has been classified as Pathogenic. This muatation was confirmed by Sanger sequencing . Pathogenic mutations in the NF1 are known to cause neurofibromatosis type I.

Labcorp Genetics (formerly Invitae), Labcorp
Classification: Pathogenic for Neurofibromatosis, type 1. Last evaluated: 2024-12-18. Review status: criteria provided, single submitter. Criteria: Invitae Variant Classification Sherloc (09022015). Collection method: clinical testing. Allele origin: germline.
Comment: This sequence change replaces tryptophan, which is neutral and slightly polar, with arginine, which is basic and polar, at codon 223 of the NF1 protein (p.Trp223Arg). This variant is not present in population databases (gnomAD no frequency). This missense change has been observed in individual(s) with neurofibromatosis type 1 (PMID: 16944272, 25541118, 29566708). ClinVar contains an entry for this variant (Variation ID: 547570). Invitae Evidence Modeling of protein sequence and biophysical properties (such as structural, functional, and spatial information, amino acid conservation, physicochemical variation, residue mobility, and thermodynamic stability) indicates that this missense variant is expected to disrupt NF1 protein function with a positive predictive value of 95%. For these reasons, this variant has been classified as Pathogenic.

CeGaT Center for Human Genetics Tuebingen
Classification: Pathogenic. Last evaluated: 2023-05-01. Review status: criteria provided, single submitter. Criteria: CeGaT Center For Human Genetics Tuebingen Variant Classification Criteria Version 2. Collection method: clinical testing. Allele origin: germline. Affected: yes. Observed: 1 variant allele.
Comment: NF1: PS1, PM2, PM6, PP3, PP4

Medical Genetics, University of Parma
Classification: Likely pathogenic for Neurofibromatosis, type 1. Last evaluated: 2022-08-17. Review status: criteria provided, single submitter. Criteria: ACMG Guidelines, 2015. Collection method: clinical testing. Allele origin: germline. Inheritance: Autosomal dominant inheritance. Affected: yes.

Genome-Nilou Lab
Classification: Likely pathogenic for Neurofibromatosis, type 1. Last evaluated: 2022-03-15. Review status: criteria provided, single submitter. Criteria: ACMG Guidelines, 2015. Collection method: clinical testing. Allele origin: germline. Affected: no.

MGZ Medical Genetics Center
Classification: Likely pathogenic for Neurofibromatosis, type 1. Last evaluated: 2021-12-07. Review status: criteria provided, single submitter. Criteria: ACMG Guidelines, 2015. Collection method: clinical testing. Allele origin: germline. Affected: yes. Observed: 1 variant allele.
Comment: ACMG criteria applied: PM6, PS4_SUP, PM2_SUP, PP3, PP4

Genome Diagnostics Laboratory, The Hospital for Sick Children
Classification: Pathogenic for Neurofibromatosis, type 1. Last evaluated: 2020-10-26. Review status: criteria provided, single submitter. Criteria: ACMG Guidelines, 2015. Collection method: clinical testing. Allele origin: germline. Affected: yes.

GeneDx
Classification: Likely pathogenic. Last evaluated: 2020-06-17. Review status: criteria provided, single submitter. Criteria: GeneDx Variant Classification Process June 2021. Collection method: clinical testing. Allele origin: germline. Affected: yes.
Comment: Not observed in large population cohorts (Lek 2016); In silico analysis supports that this missense variant has a deleterious effect on protein structure/function; This variant is associated with the following publications: (PMID: 24803665, 29566708, 25541118, 16944272, 27838393, 31370276)

Center for Human Genetics, Inc
Classification: Pathogenic for Neurofibromatosis, type 1. Last evaluated: 2016-11-01. Review status: criteria provided, single submitter. Criteria: ACMG Guidelines, 2015. Collection method: clinical testing. Allele origin: germline. Affected: yes.

Juno Genomics, Hangzhou Juno Genomics, Inc
Classification: Pathogenic for Neurofibromatosis, type 1. Review status: criteria provided, single submitter. Criteria: ACMG Guidelines, 2015. Collection method: clinical testing. Allele origin: germline. Affected: yes.
Comment: Absent from controls (or at extremely low frequency if recessive) in Genome Aggregation Database.;Multiple lines of computational evidence support a deleterious effect on the gene or gene product.;Missense variant in a gene that has a low rate of benign missense variation.;Same amino acid change as a previously established pathogenic variant regardless of nucleotide change.;The prevalence of the variant in affected individuals is significantly increased compared to the prevalence in controls.;Assumed de novo, but without confirmation of paternity and maternity.;Patient's phenotype or family history is highly specific for a disease with a single genetic etiology.

Literature cited by the submitters: PubMed 16944272 (cited by Labcorp Genetics (formerly Invitae), Labcorp); PubMed 25541118 (cited by Labcorp Genetics (formerly Invitae), Labcorp); PubMed 29566708 (cited by Labcorp Genetics (formerly Invitae), Labcorp).

NM_001042492.3(NF1):c.667T>C (p.Trp223Arg)

Gene: NF1 (neurofibromin 1; plus strand). Cytogenetic location: 17q11.2.
Variant type: single nucleotide variant.
Coding change: c.667T>C on transcript NM_001042492.3 (MANE Select); coding-DNA position 667, T replaced by C.
Protein change: p.Trp223Arg; replaces tryptophan 223 with arginine.
Molecular consequence: missense variant.
Genome position (GRCh38, 1-based): chr17:31,181,722, T>C. VCF-style: chr17-31181722-T-C. GRCh37 (hg19) VCF-style: chr17-29508740-T-C.
Other names: c.667T>C, p.Trp223Arg (NM_000267.4, NM_001128147.3); short protein forms W223R.
Identifiers: ClinVar variation 547570 (VCV000547570.43), dbSNP rs1555608740, ClinGen allele CA398989723.